The following is an entry in ClinVar:

NM_007194.4(CHEK2):c.529A>C (p.Lys177Gln)

Gene: CHEK2 (checkpoint kinase 2; minus strand). Cytogenetic location: 22q12.1.
Variant type: single nucleotide variant.
Coding change: c.529A>C on transcript NM_007194.4 (MANE Select); coding-DNA position 529, A replaced by C.
Protein change: p.Lys177Gln; replaces lysine 177 with glutamine.
Molecular consequence: missense variant. On other transcripts: 5 prime UTR variant (2), intron variant (1).
Genome position (GRCh38, 1-based): chr22:28,725,040, T>G on the plus strand (A>C on the coding strand, the complement: CHEK2 is on the minus strand). VCF-style: chr22-28725040-T-G. GRCh37 (hg19) VCF-style: chr22-29121028-T-G.
Other names: c.529A>C (NM_007194.3); c.658A>C, p.Lys220Gln (NM_001005735.3, NM_001438294.1); c.-249A>C (NM_001257387.3); c.-135A>C (NM_001437942.1); c.622A>C, p.Lys208Gln (NM_001438293.1, NM_001438295.1); c.529A>C, p.Lys177Gln (NM_145862.3); c.445-117A>C (NM_001349956.3); short protein forms K177Q, K220Q, K208Q.
Identifiers: ClinVar variation 2092645 (VCV002092645.5), dbSNP rs796389290, ClinGen allele CA411107299.

ClinVar aggregate classification (germline): Uncertain significance. Review status: criteria provided, multiple submitters, no conflicts (2 of 4 stars). 2 submissions from 2 submitters: Uncertain significance (2). Last evaluated 2025-08-08.

Conditions:
Hereditary cancer-predisposing syndrome. Also called: Tumor predisposition; Hereditary Cancer Syndrome; Hereditary neoplastic syndrome; Neoplastic Syndromes, Hereditary. Identifiers: Orphanet 140162, MedGen C0027672, MeSH D009386, MONDO:0015356.
Familial cancer of breast. Also called: hereditary breast carcinoma; BREAST CANCER, FAMILIAL; Hereditary breast cancer. Identifiers: Orphanet 227535, MedGen C0346153, MONDO:0016419, OMIM 114480. Disease mechanism: loss of function.

Submissions (2):

Ambry Genetics
Classification: Uncertain significance for Hereditary cancer-predisposing syndrome. Last evaluated: 2025-08-08. Review status: criteria provided, single submitter. Criteria: Ambry Variant Classification Scheme 2023. Collection method: clinical testing. Allele origin: germline.
Comment: The p.K177Q variant (also known as c.529A>C), located in coding exon 3 of the CHEK2 gene, results from an A to C substitution at nucleotide position 529. The lysine at codon 177 is replaced by glutamine, an amino acid with similar properties. This amino acid position is conserved. In addition, the in silico prediction for this alteration is inconclusive. Based on the available evidence, the clinical significance of this variant remains unclear.

Labcorp Genetics (formerly Invitae), Labcorp
Classification: Uncertain significance for Familial cancer of breast. Last evaluated: 2022-02-03. Review status: criteria provided, single submitter. Criteria: Invitae Variant Classification Sherloc (09022015). Collection method: clinical testing. Allele origin: germline.
Comment: This sequence change replaces lysine, which is basic and polar, with glutamine, which is neutral and polar, at codon 177 of the CHEK2 protein (p.Lys177Gln). This variant is not present in population databases (gnomAD no frequency). This variant has not been reported in the literature in individuals affected with CHEK2-related conditions. Algorithms developed to predict the effect of missense changes on protein structure and function are either unavailable or do not agree on the potential impact of this missense change (SIFT: "Deleterious"; PolyPhen-2: "Benign"; Align-GVGD: "Class C0"). In summary, the available evidence is currently insufficient to determine the role of this variant in disease. Therefore, it has been classified as a Variant of Uncertain Significance.